The following is an entry in ClinVar:

NM_030957.4(ADAMTS10):c.1278G>A (p.Met426Ile)

Gene: ADAMTS10 (ADAM metallopeptidase with thrombospondin type 1 motif 10; minus strand). Cytogenetic location: 19p13.2.
Variant type: single nucleotide variant.
Coding change: c.1278G>A on transcript NM_030957.4 (MANE Select); coding-DNA position 1278, G replaced by A.
Protein change: p.Met426Ile; replaces methionine 426 with isoleucine.
Molecular consequence: missense variant.
Genome position (GRCh38, 1-based): chr19:8,596,132, C>T on the plus strand (G>A on the coding strand, the complement: ADAMTS10 is on the minus strand). VCF-style: chr19-8596132-C-T. GRCh37 (hg19) VCF-style: chr19-8661016-C-T.
Other names: short protein forms M426I.
Identifiers: ClinVar variation 1952496 (VCV001952496.5), dbSNP rs2512622051, ClinGen allele CA403755312.

ClinVar aggregate classification (germline): Uncertain significance (1 of 4 stars; one submission).

Submission:

Labcorp Genetics (formerly Invitae), Labcorp
Classification: Uncertain significance. Last evaluated: 2022-06-24. Review status: criteria provided, single submitter. Criteria: Invitae Variant Classification Sherloc (09022015). Collection method: clinical testing. Allele origin: germline.
Comment: This variant has not been reported in the literature in individuals affected with ADAMTS10-related conditions. This variant is not present in population databases (gnomAD no frequency). This sequence change replaces methionine, which is neutral and non-polar, with isoleucine, which is neutral and non-polar, at codon 426 of the ADAMTS10 protein (p.Met426Ile). Algorithms developed to predict the effect of missense changes on protein structure and function are either unavailable or do not agree on the potential impact of this missense change (SIFT: "Deleterious"; PolyPhen-2: "Probably Damaging"; Align-GVGD: "Class C0"). In summary, the available evidence is currently insufficient to determine the role of this variant in disease. Therefore, it has been classified as a Variant of Uncertain Significance.